The following is an entry in ClinVar:

NM_015272.5(RPGRIP1L):c.2767C>T (p.Pro923Ser)

Gene: RPGRIP1L (RPGRIP1 like; minus strand). Cytogenetic location: 16q12.2.
Variant type: single nucleotide variant.
Coding change: c.2767C>T on transcript NM_015272.5 (MANE Select); coding-DNA position 2767, C replaced by T.
Protein change: p.Pro923Ser; replaces proline 923 with serine.
Molecular consequence: missense variant.
Genome position (GRCh38, 1-based): chr16:53,641,392, G>A on the plus strand (C>T on the coding strand, the complement: RPGRIP1L is on the minus strand). VCF-style: chr16-53641392-G-A. GRCh37 (hg19) VCF-style: chr16-53675304-G-A.
Other names: c.2767C>T, p.Pro923Ser (NM_001127897.4, NM_001308334.3, NM_001330538.2); c.2767C>T (NM_015272.4, NM_015272.2); short protein forms P923S.
Identifiers: ClinVar variation 1447892 (VCV001447892.5), dbSNP rs572508334, ClinGen allele CA8057469.

ClinVar aggregate classification (germline): Uncertain significance. Review status: criteria provided, multiple submitters, no conflicts (2 of 4 stars). 3 submissions from 3 submitters: Uncertain significance (2). 1 of the submissions does not count toward it. Last evaluated 2024-08-05.

Conditions:
Joubert syndrome. Also called: Familial aplasia of the vermis; JOUBERT-BOLTSHAUSER SYNDROME. Identifiers: Orphanet 475, MedGen C5979921, MONDO:0018772.
Meckel-Gruber syndrome. Also called: DYSENCEPHALIA SPLANCHNOCYSTICA; GRUBER SYNDROME; Dysencephalia splachnocystica. Identifiers: Orphanet 564, MedGen C0265215, MONDO:0018921.
Inborn genetic diseases. Identifiers: MedGen C0950123, MeSH D030342.
RPGRIP1L-related disorder. Also called: RPGRIP1L-related condition; RPGRIP1L-related disorders. Identifiers: MedGen CN239416.

Allele frequency attached by ClinVar (database versions not stated): 1000 Genomes Project 30x 0.00016; 1000 Genomes Project 0.00020.
gnomAD v4.1: 5 of 1,614,022 alleles (0.00031%); highest among the groups gnomAD compares: African/African-American, 0.004%; no homozygotes.

Submissions (3):

Ambry Genetics
Classification: Uncertain significance for Inborn genetic diseases. Last evaluated: 2024-08-05. Review status: criteria provided, single submitter. Criteria: Ambry Variant Classification Scheme 2023. Collection method: clinical testing. Allele origin: germline.

Labcorp Genetics (formerly Invitae), Labcorp
Classification: Uncertain significance for Joubert syndrome; Meckel-Gruber syndrome. Last evaluated: 2022-09-13. Review status: criteria provided, single submitter. Criteria: Invitae Variant Classification Sherloc (09022015). Collection method: clinical testing. Allele origin: germline.
Comment: This sequence change replaces proline, which is neutral and non-polar, with serine, which is neutral and polar, at codon 923 of the RPGRIP1L protein (p.Pro923Ser). This variant is present in population databases (rs572508334, gnomAD 0.004%). This variant has not been reported in the literature in individuals affected with RPGRIP1L-related conditions. ClinVar contains an entry for this variant (Variation ID: 1447892). Advanced modeling of protein sequence and biophysical properties (such as structural, functional, and spatial information, amino acid conservation, physicochemical variation, residue mobility, and thermodynamic stability) performed at Invitae indicates that this missense variant is not expected to disrupt RPGRIP1L protein function. In summary, the available evidence is currently insufficient to determine the role of this variant in disease. Therefore, it has been classified as a Variant of Uncertain Significance.

PreventionGenetics, part of Exact Sciences
Classification: Uncertain significance for RPGRIP1L-related condition. Last evaluated: 2024-06-18. Review status: no assertion criteria provided. Collection method: clinical testing. Allele origin: germline. Not counted in ClinVar's aggregate classification.
Comment: The RPGRIP1L c.2767C>T variant is predicted to result in the amino acid substitution p.Pro923Ser. To our knowledge, this variant has not been reported in the literature. This variant is reported in 0.0040% of alleles in individuals of African descent in gnomAD. At this time, the clinical significance of this variant is uncertain due to the absence of conclusive functional and genetic evidence.